The following is an entry in ClinVar:

NM_001372066.1(TFAP2A):c.656G>C (p.Arg219Pro)

Genes: TFAP2A (transcription factor AP-2 alpha; minus strand), TFAP2A-AS2 (TFAP2A antisense RNA 2; plus strand), LOC121740638 (BRD4-independent group 4 enhancer GRCh37_chr6:10403277-10404476; plus strand). Cytogenetic location: 6p24.3.
Variant type: single nucleotide variant.
Coding change: c.656G>C on transcript NM_001372066.1 (MANE Select); coding-DNA position 656, G replaced by C.
Protein change: p.Arg219Pro; replaces arginine 219 with proline.
Molecular consequence: missense variant. On other transcripts: non-coding transcript variant (1).
Genome position (GRCh38, 1-based): chr6:10,404,622, C>G on the plus strand (G>C on the coding strand, the complement: TFAP2A is on the minus strand). VCF-style: chr6-10404622-C-G. GRCh37 (hg19) VCF-style: chr6-10404855-C-G.
Other names: NM_003220.2:c.650G>C; c.632G>C, p.Arg211Pro (NM_001032280.3); c.638G>C, p.Arg213Pro (NM_001042425.3); short protein forms R211P, R213P, R219P.
Identifiers: ClinVar variation 2630605 (VCV002630605.1), dbSNP rs1554111768, ClinGen allele CA362701493.

ClinVar aggregate classification (germline): Uncertain significance (1 of 4 stars; one submission).

Conditions:
TFAP2A-related disorder. Also called: TFAP2A-related condition.

Submission:

PreventionGenetics, part of Exact Sciences
Classification: Uncertain significance for TFAP2A-related condition. Last evaluated: 2023-02-01. Review status: criteria provided, single submitter. Criteria: ACMG Guidelines, 2015. Collection method: clinical testing. Allele origin: germline.
Comment: The TFAP2A c.650G>C variant is predicted to result in the amino acid substitution p.Arg217Pro. To our knowledge, this variant has not been reported in the literature or in a large population database, indicating this variant is rare. Several nearby amino acid changes (p.Val216Asp, p.Arg219Ser, and p.Arg219Cys) have been reported in individuals with brancio-oculo-facial syndrome (Meshcheryakova et al. 2015. PubMed ID: 25590586; Milunsky. 2011. PubMed ID: 21204207). Although we suspect that this variant may be pathogenic, at this time, the clinical significance of this variant is uncertain due to the absence of conclusive functional and genetic evidence.